The following is an entry in ClinVar:

ClinVar aggregate classification (germline): Benign. Review status: criteria provided, single submitter (1 of 4 stars). 2 submissions from 2 submitters: Benign (1). 1 of the submissions does not count toward it. Last evaluated 2025-06-19.

Conditions:
TRRAP-related disorder. Also called: TRRAP-related condition.

Allele frequency attached by ClinVar (database versions not stated): ExAC 0.00002; gnomAD 0.00005.
gnomAD v4.1: 57 of 1,579,410 alleles (0.0036%); highest among the groups gnomAD compares: African/African-American, 0.0055%; no homozygotes.

Submissions (2):

Labcorp Genetics (formerly Invitae), Labcorp
Classification: Benign. Last evaluated: 2025-06-19. Review status: criteria provided, single submitter. Criteria: Invitae Variant Classification Sherloc (09022015). Collection method: clinical testing. Allele origin: germline.

PreventionGenetics, part of Exact Sciences
Classification: Uncertain significance for TRRAP-related condition. Last evaluated: 2024-09-26. Review status: no assertion criteria provided. Collection method: clinical testing. Allele origin: germline. Not counted in ClinVar's aggregate classification.
Comment: The TRRAP c.4735G>A variant is predicted to result in the amino acid substitution p.Ala1579Thr. To our knowledge, this variant has not been reported in the literature. This variant is reported in 0.0048% of alleles in individuals of European (Non-Finnish) descent in gnomAD. At this time, the clinical significance of this variant is uncertain due to the absence of conclusive functional and genetic evidence.

NM_001375524.1(TRRAP):c.4810G>A (p.Ala1604Thr)

Gene: TRRAP (transformation/transcription domain associated protein; plus strand). Cytogenetic location: 7q22.1.
Variant type: single nucleotide variant.
Coding change: c.4810G>A on transcript NM_001375524.1 (MANE Select); coding-DNA position 4810, G replaced by A.
Protein change: p.Ala1604Thr; replaces alanine 1604 with threonine.
Molecular consequence: missense variant.
Genome position (GRCh38, 1-based): chr7:98,949,438, G>A. VCF-style: chr7-98949438-G-A. GRCh37 (hg19) VCF-style: chr7-98547061-G-A.
Other names: c.4789G>A, p.Ala1597Thr (NM_001244580.2); c.4735G>A, p.Ala1579Thr (NM_003496.4); c.4735G>A (NM_003496.3); short protein forms A1597T, A1579T, A1604T.
Identifiers: ClinVar variation 2167589 (VCV002167589.5), dbSNP rs775854011, ClinGen allele CA4360394.